The following is an entry in ClinVar:

ClinVar aggregate classification (germline): Conflicting classifications of pathogenicity. Review status: criteria provided, conflicting classifications (1 of 4 stars). 5 submissions from 5 submitters: Uncertain significance (2); Benign (1); Likely benign (2). Last evaluated 2026-02-04.

Conditions:
Hereditary pulmonary alveolar proteinosis. Also called: Pulmonary surfactant metabolism dysfunction. Identifiers: Orphanet 264675, MedGen C3711368, MONDO:0012580.

Allele frequency attached by ClinVar (database versions not stated): TOPMed 0.00121; ESP Exome Variant Server 0.00131; ExAC 0.00166; gnomAD 0.00175 and 0.00180.

Submissions (5):

Labcorp Genetics (formerly Invitae), Labcorp
Classification: Benign. Last evaluated: 2026-02-04. Review status: criteria provided, single submitter. Criteria: Invitae Variant Classification Sherloc (09022015). Collection method: clinical testing. Allele origin: germline.

CeGaT Center for Human Genetics Tuebingen
Classification: Likely benign. Last evaluated: 2026-01-01. Review status: criteria provided, single submitter. Criteria: CeGaT Center For Human Genetics Tuebingen Variant Classification Criteria Version 2. Collection method: clinical testing. Allele origin: germline. Affected: yes. Observed: 1 variant allele.
Comment: ABCA3: PP3, BS2

Ambry Genetics
Classification: Uncertain significance for Hereditary pulmonary alveolar proteinosis. Last evaluated: 2025-10-03. Review status: criteria provided, single submitter. Criteria: Ambry Variant Classification Scheme 2023. Collection method: clinical testing. Allele origin: germline.
Comment: The c.613+18G>T intronic variant results from a G to T substitution 18 nucleotides after coding exon 4 in the ABCA3 gene. This nucleotide position is highly conserved in available vertebrate species. In silico splice site analysis predicts that this alteration will result in the creation or strengthening of a novel splice donor site. Based on data from gnomAD, the frequency for this variant is above the maximum credible frequency for a disease-causing variant in this gene based on internally established thresholds (Karczewski et al. Nature. 2020 May;581(7809):434-443; Whiffin et al. Genet Med. 2017 10;19:1151-1158). Based on the available evidence, the clinical significance of this variant remains unclear.

Blueprint Genetics
Classification: Likely benign. Last evaluated: 2024-11-27. Review status: criteria provided, single submitter. Criteria: ACMG Guidelines, 2015. Collection method: clinical testing. Allele origin: germline.

GeneDx
Classification: Uncertain significance. Last evaluated: 2024-06-06. Review status: criteria provided, single submitter. Criteria: GeneDx Variant Classification Process June 2021. Collection method: clinical testing. Allele origin: germline. Affected: yes.
Comment: Identified in the heterozygous state in a patient with respiratory distress syndrome in published literature (PMID: 29255193); In silico analysis supports a deleterious effect on splicing; This variant is associated with the following publications: (PMID: 29255193)

Literature cited by the submitters: PubMed 29255193 (cited by Ambry Genetics).

NM_001089.3(ABCA3):c.613+18G>T

Gene: ABCA3 (ATP binding cassette subfamily A member 3; minus strand). Cytogenetic location: 16p13.3.
Variant type: single nucleotide variant.
Coding change: c.613+18G>T on transcript NM_001089.3 (MANE Select); 18 bases into the intron after coding-DNA position 613, G replaced by T.
Molecular consequence: intron variant.
Genome position (GRCh38, 1-based): chr16:2,323,505, C>A on the plus strand (G>T on the coding strand, the complement: ABCA3 is on the minus strand). VCF-style: chr16-2323505-C-A. GRCh37 (hg19) VCF-style: chr16-2373506-C-A.
Identifiers: ClinVar variation 1630101 (VCV001630101.17), dbSNP rs201364163, ClinGen allele CA7841599.